The following is an entry in ClinVar:

ClinVar aggregate classification (germline): not provided (0 of 4 stars; one submission).

Submission:

Cole and Hamvas Lab,  Washington University - St. Louis
No classification provided. Review status: no classification provided. Collection method: not provided. Allele origin: unknown.
Comment: Zhuang Chinese
ClinVar note: Converted during submission from untested to not provided.

NM_001089.3(ABCA3):c.4822G>T (p.Gly1608Cys)

Gene: ABCA3 (ATP binding cassette subfamily A member 3; minus strand). Cytogenetic location: 16p13.3.
Variant type: single nucleotide variant.
Coding change: c.4822G>T on transcript NM_001089.3 (MANE Select); coding-DNA position 4822, G replaced by T.
Protein change: p.Gly1608Cys; replaces glycine 1608 with cysteine.
Molecular consequence: missense variant.
Genome position (GRCh38, 1-based): chr16:2,277,966, C>A on the plus strand (G>T on the coding strand, the complement: ABCA3 is on the minus strand). VCF-style: chr16-2277966-C-A. GRCh37 (hg19) VCF-style: chr16-2327967-C-A.
Other names: short protein forms G1608C.
Identifiers: ClinVar variation 88778 (VCV000088778.2), dbSNP rs397518430, ClinGen allele CA220098.